The following is an entry in ClinVar:

ClinVar aggregate classification (germline): Benign/Likely benign. Review status: criteria provided, multiple submitters, no conflicts (2 of 4 stars). 3 submissions from 3 submitters: Benign (1); Likely benign (2). Last evaluated 2024-05-22.

Conditions:
Hereditary cancer-predisposing syndrome. Also called: Tumor predisposition; Hereditary Cancer Syndrome; Neoplastic Syndromes, Hereditary; Hereditary neoplastic syndrome. Identifiers: Orphanet 140162, MedGen C0027672, MeSH D009386, MONDO:0015356.
Familial adenomatous polyposis 1 (FAP1). Also called: FAMILIAL ADENOMATOUS POLYPOSIS 1, ATTENUATED; POLYPOSIS, ADENOMATOUS INTESTINAL. Identifiers: MedGen C2713442, MONDO:0021056, OMIM 175100. Disease mechanism: loss of function.

Submissions (3):

Labcorp Genetics (formerly Invitae), Labcorp
Classification: Likely benign for Familial adenomatous polyposis 1. Last evaluated: 2024-05-22. Review status: criteria provided, single submitter. Criteria: Invitae Variant Classification Sherloc (09022015). Collection method: clinical testing. Allele origin: germline.

Myriad Genetics, Inc.
Classification: Benign for Familial adenomatous polyposis 1. Last evaluated: 2024-03-15. Review status: criteria provided, single submitter. Criteria: Myriad Autosomal Dominant, Autosomal Recessive and X-Linked Classification Criteria (2023). Collection method: clinical testing. Allele origin: unknown.
Comment: This variant is considered benign. This variant is a silent/synonymous amino acid change and it is not expected to impact splicing.

Ambry Genetics
Classification: Likely benign for Hereditary cancer-predisposing syndrome. Last evaluated: 2020-09-01. Review status: criteria provided, single submitter. Criteria: Ambry Variant Classification Scheme 2023. Collection method: clinical testing. Allele origin: germline.

NM_000038.6(APC):c.2652A>T (p.Ala884=)

Gene: APC (APC regulator of Wnt signaling pathway; plus strand). Cytogenetic location: 5q22.2.
Variant type: single nucleotide variant.
Coding change: c.2652A>T on transcript NM_000038.6 (MANE Select); coding-DNA position 2652, A replaced by T.
Protein change: p.Ala884=; no amino-acid change (alanine 884 retained).
Molecular consequence: synonymous variant. On other transcripts: non-coding transcript variant (2).
Genome position (GRCh38, 1-based): chr5:112,838,246, A>T. VCF-style: chr5-112838246-A-T. GRCh37 (hg19) VCF-style: chr5-112173943-A-T.
Other names: c.2475A>T, p.Ala825= (NM_001354901.2, NM_001407453.1); c.2379A>T, p.Ala793= (NM_001354902.2); c.2349A>T, p.Ala783= (NM_001354903.2, NM_001407458.1, NM_001407459.1 and 1 more transcripts); c.2274A>T, p.Ala758= (NM_001354904.2); c.2172A>T, p.Ala724= (NM_001354905.2); c.1803A>T, p.Ala601= (NM_001354906.2, NM_001407470.1); c.2736A>T, p.Ala912= (NM_001407446.1); c.2706A>T, p.Ala902= (NM_001407447.1, NM_001407448.1, NM_001407449.1 and 1 more transcripts); and 11 more.
Identifiers: ClinVar variation 1794338 (VCV001794338.4), dbSNP rs1554084343, ClinGen allele CA445962984.
Genomic context (GRCh38, chr5:112,838,246, plus strand): 5'-TCCAGCAACAGAAAATCCAGGAACTTCTTCAAAGCGAGGTTTGCAGATCTCCACCACTGC[A>T]GCCCAGATTGCCAAAGTCATGGAAGAAGTGTCAGCCATTCATACCTCTCAGGAAGACAGA-3'
Protein context (NP_000029.2, residues 874-894): SKRGLQISTT[Ala884=]AQIAKVMEEV